The following is an entry in ClinVar:

NM_014874.4(MFN2):c.555del (p.Ser186fs)

Gene: MFN2 (mitofusin 2; plus strand). Cytogenetic location: 1p36.22.
Variant type: Deletion.
Coding change: c.555del on transcript NM_014874.4 (MANE Select); coding-DNA position 555, one base deleted (C; older notation c.555delC).
Protein change: p.Ser186fs; shifts the reading frame from serine 186.
Molecular consequence: frameshift variant.
Genome position (GRCh38, 1-based): chr1:11,997,377, C deleted. VCF-style (leftmost placement, unchanged base first): chr1-11997376-AC-A. GRCh37 (hg19) VCF-style: chr1-12057433-AC-A.
Other names: c.555del, p.Ser186fs (NM_001127660.2); short protein forms S186fs.
Identifiers: ClinVar variation 2812091 (VCV002812091.3), dbSNP rs2523021639, ClinGen allele CA2739272305.
Genomic context (GRCh38, chr1:11,997,376, plus strand): 5'-ATGCCCTCCACCAGGACAAGCAGCTCCATGCCGGCAGCCTAGTGAGTGTGATGTGGCCCA[AC>A]TCTAAGTGCCCACTTCTGAAGGATGACCTCGTTTTGATGGACAGGTAAGAGGGAGGTGCC-3'

ClinVar aggregate classification (germline): Pathogenic (1 of 4 stars; one submission).

Conditions:
Charcot-Marie-Tooth disease type 2. Also called: Charcot-Marie-Tooth type 2. Identifiers: Orphanet 64746, MedGen C0270914, MONDO:0018993.

Submission:

Labcorp Genetics (formerly Invitae), Labcorp
Classification: Pathogenic for Charcot-Marie-Tooth disease type 2. Last evaluated: 2023-06-30. Review status: criteria provided, single submitter. Criteria: Invitae Variant Classification Sherloc (09022015). Collection method: clinical testing. Allele origin: germline.
Comment: This variant is not present in population databases (gnomAD no frequency). For these reasons, this variant has been classified as Pathogenic. This variant has not been reported in the literature in individuals affected with MFN2-related conditions. This sequence change creates a premature translational stop signal (p.Ser186Leufs*6) in the MFN2 gene. It is expected to result in an absent or disrupted protein product. Loss-of-function variants in MFN2 are known to be pathogenic (PMID: 16714318, 16835246, 21715711, 23781337, 26955893).

Literature cited by the submitters: PubMed 16714318; PubMed 16835246; PubMed 21715711; PubMed 23781337; PubMed 26955893.